The following is an entry in ClinVar:

NM_007078.3(LDB3):c.1732G>A (p.Ala578Thr)

Gene: LDB3 (LIM domain binding 3; plus strand). Cytogenetic location: 10q23.2.
Variant type: single nucleotide variant.
Coding change: c.1732G>A on transcript NM_007078.3 (MANE Select); coding-DNA position 1732, G replaced by A.
Protein change: p.Ala578Thr; replaces alanine 578 with threonine.
Molecular consequence: missense variant.
Genome position (GRCh38, 1-based): chr10:86,718,019, G>A. VCF-style: chr10-86718019-G-A. GRCh37 (hg19) VCF-style: chr10-88477776-G-A.
Other names: c.1402G>A, p.Ala468Thr (NM_001080114.2); c.1747G>A, p.Ala583Thr (NM_001171610.2); c.1543G>A, p.Ala515Thr (NM_001368064.1, NM_001368065.1); c.1591G>A, p.Ala531Thr (NM_001368066.1); short protein forms A578T, A531T, A583T, A468T, A515T.
Identifiers: ClinVar variation 1779013 (VCV001779013.2), dbSNP rs2492816052, ClinGen allele CA377451987.

ClinVar aggregate classification (germline): Uncertain significance (1 of 4 stars; one submission).

Conditions:
Cardiovascular phenotype. Identifiers: MedGen CN230736.

Submission:

Ambry Genetics
Classification: Uncertain significance for Cardiovascular phenotype. Last evaluated: 2020-01-10. Review status: criteria provided, single submitter. Criteria: Ambry Variant Classification Scheme 2023. Collection method: clinical testing. Allele origin: germline.
Comment: The p.A578T variant (also known as c.1732G>A), located in coding exon 10 of the LDB3 gene, results from a G to A substitution at nucleotide position 1732. The alanine at codon 578 is replaced by threonine, an amino acid with similar properties. This amino acid position is well conserved in available vertebrate species. In addition, the in silico prediction for this alteration is inconclusive. Since supporting evidence is limited at this time, the clinical significance of this alteration remains unclear.